The following is an entry in ClinVar:

NM_000038.6(APC):c.7395T>C (p.Leu2465=)

Gene: APC (APC regulator of Wnt signaling pathway; plus strand). Cytogenetic location: 5q22.2.
Variant type: single nucleotide variant.
Coding change: c.7395T>C on transcript NM_000038.6 (MANE Select); coding-DNA position 7395, T replaced by C.
Protein change: p.Leu2465=; no amino-acid change (leucine 2465 retained).
Molecular consequence: synonymous variant.
Genome position (GRCh38, 1-based): chr5:112,842,989, T>C. VCF-style: chr5-112842989-T-C. GRCh37 (hg19) VCF-style: chr5-112178686-T-C.
Other names: c.7395T>C, p.Leu2465= (NM_001127510.3, NM_001354895.2); c.7341T>C, p.Leu2447= (NM_001127511.3); c.7449T>C, p.Leu2483= (NM_001354896.2); c.7425T>C, p.Leu2475= (NM_001354897.2); c.7320T>C, p.Leu2440= (NM_001354898.2); c.7311T>C, p.Leu2437= (NM_001354899.2); c.7272T>C, p.Leu2424= (NM_001354900.2); c.7218T>C, p.Leu2406= (NM_001354901.2); and 5 more.
Identifiers: ClinVar variation 236644 (VCV000236644.24), dbSNP rs369906346, ClinGen allele CA047917.

ClinVar aggregate classification (germline): Benign/Likely benign. Review status: criteria provided, multiple submitters, no conflicts (2 of 4 stars). 8 submissions from 8 submitters: Benign (2); Likely benign (6). Last evaluated 2025-12-14.

Conditions:
Classic or attenuated familial adenomatous polyposis. Identifiers: MedGen CN372698, MONDO:0021057.
Hereditary cancer-predisposing syndrome. Also called: Hereditary neoplastic syndrome; Hereditary Cancer Syndrome; Neoplastic Syndromes, Hereditary; Tumor predisposition. Identifiers: Orphanet 140162, MedGen C0027672, MeSH D009386, MONDO:0015356.
Familial adenomatous polyposis 1 (FAP1). Also called: FAMILIAL ADENOMATOUS POLYPOSIS 1, ATTENUATED; POLYPOSIS, ADENOMATOUS INTESTINAL. Identifiers: MedGen C2713442, MONDO:0021056, OMIM 175100. Disease mechanism: loss of function.

Allele frequency attached by ClinVar (database versions not stated): gnomAD 0.00001 and 0.00002; gnomAD exomes 0.00001 and 0.00006; ExAC 0.00002; TOPMed 0.00005; ESP Exome Variant Server 0.00015.
gnomAD v4.1: 96 of 1,613,966 alleles (0.0059%); highest among the groups gnomAD compares: Non-Finnish European, 0.0077%; no homozygotes.

Submissions (8):

Labcorp Genetics (formerly Invitae), Labcorp
Classification: Likely benign for Familial adenomatous polyposis 1. Last evaluated: 2025-12-14. Review status: criteria provided, single submitter. Criteria: Invitae Variant Classification Sherloc (09022015). Collection method: clinical testing. Allele origin: germline.

Institute for Biomarker Research, Medical Diagnostic Laboratories, L.L.C.
Classification: Likely benign for Hereditary cancer-predisposing syndrome. Last evaluated: 2024-10-15. Review status: criteria provided, single submitter. Criteria: ACMG Guidelines, 2015. Collection method: clinical testing. Allele origin: germline.
Comment: The synonymous variant NM_000038.6(APC):c.7395T>C (p.Leu2465=) has been reported to ClinVar as Benign/Likely benign with a status of (2 stars) criteria provided, multiple submitters, no conflicts (Variation ID 236644 as of 2024-10-03). The p.Leu2465= variant is observed in 2/113,434 (0.0018%) alleles from individuals of gnomAD Non Finnish European background in gnomAD. The p.Leu2465= variant is novel (not in any individuals) in 1kG. The p.Leu2465= variant is not predicted to disrupt an existing splice site. The p.Leu2465= variant results in a substitution of a base that is not predicted conserved by GERP++ and PhyloP. For these reasons, this variant has been classified as Likely Benign.

Myriad Genetics, Inc.
Classification: Benign for Familial adenomatous polyposis 1. Last evaluated: 2024-04-09. Review status: criteria provided, single submitter. Criteria: Myriad Autosomal Dominant, Autosomal Recessive and X-Linked Classification Criteria (2023). Collection method: clinical testing. Allele origin: unknown.
Comment: This variant is considered benign. This variant is a silent/synonymous amino acid change and it is not expected to impact splicing.

All of Us Research Program, National Institutes of Health
Classification: Likely benign for Classic or attenuated familial adenomatous polyposis. Last evaluated: 2024-02-05. Review status: criteria provided, single submitter. Criteria: ACMG Guidelines, 2015. Collection method: clinical testing. Allele origin: germline. Inheritance: Autosomal dominant inheritance. Observed: 7 variant alleles, 7 heterozygotes.
Comment: This study involves interpretation of variants in research participants for the purpose of population health screening. Participant phenotype was not available at the time of variant classification. Additional details can be found in publication PMID: 35346344, PMCID: PMC8962531

Quest Diagnostics Nichols Institute San Juan Capistrano
Classification: Likely benign. Last evaluated: 2020-04-03. Review status: criteria provided, single submitter. Criteria: Quest Diagnostics criteria. Collection method: clinical testing. Allele origin: unknown.

Color Diagnostics, LLC DBA Color Health
Classification: Likely benign for Hereditary cancer-predisposing syndrome. Last evaluated: 2016-05-25. Review status: criteria provided, single submitter. Criteria: ACMG Guidelines, 2015. Collection method: clinical testing. Allele origin: germline.

Ambry Genetics
Classification: Likely benign for Hereditary cancer-predisposing syndrome. Last evaluated: 2015-07-15. Review status: criteria provided, single submitter. Criteria: Ambry Variant Classification Scheme 2023. Collection method: clinical testing. Allele origin: germline.

GeneDx
Classification: Benign. Last evaluated: 2015-06-25. Review status: criteria provided, single submitter. Criteria: GeneDx Variant Classification (06012015). Collection method: clinical testing. Allele origin: germline. Affected: yes.
Comment: This variant is considered likely benign or benign based on one or more of the following criteria: it is a conservative change, it occurs at a poorly conserved position in the protein, it is predicted to be benign by multiple in silico algorithms, and/or has population frequency not consistent with disease.